The following is an entry in ClinVar:

NM_001365480.1(CCDC88A):c.1310C>T (p.Ser437Phe)

Gene: CCDC88A (coiled-coil and HOOK domain protein 88A; minus strand). Cytogenetic location: 2p16.1.
Variant type: single nucleotide variant.
Coding change: c.1310C>T on transcript NM_001365480.1 (MANE Select); coding-DNA position 1310, C replaced by T.
Protein change: p.Ser437Phe; replaces serine 437 with phenylalanine.
Molecular consequence: missense variant.
Genome position (GRCh38, 1-based): chr2:55,343,671, G>A on the plus strand (C>T on the coding strand, the complement: CCDC88A is on the minus strand). VCF-style: chr2-55343671-G-A. GRCh37 (hg19) VCF-style: chr2-55570807-G-A.
Other names: c.1310C>T, p.Ser437Phe (NM_001135597.2, NM_001254943.2, NM_018084.5); short protein forms S437F.
Identifiers: ClinVar variation 2030080 (VCV002030080.4), dbSNP rs2544868959, ClinGen allele CA346905409.

ClinVar aggregate classification (germline): Uncertain significance (1 of 4 stars; one submission).

Submission:

Labcorp Genetics (formerly Invitae), Labcorp
Classification: Uncertain significance. Last evaluated: 2021-12-03. Review status: criteria provided, single submitter. Criteria: Invitae Variant Classification Sherloc (09022015). Collection method: clinical testing. Allele origin: germline.
Comment: This sequence change replaces serine, which is neutral and polar, with phenylalanine, which is neutral and non-polar, at codon 437 of the CCDC88A protein (p.Ser437Phe). This variant is not present in population databases (gnomAD no frequency). This variant has not been reported in the literature in individuals affected with CCDC88A-related conditions. Algorithms developed to predict the effect of missense changes on protein structure and function are either unavailable or do not agree on the potential impact of this missense change (SIFT: "Deleterious"; PolyPhen-2: "Possibly Damaging"; Align-GVGD: "Class C0"). In summary, the available evidence is currently insufficient to determine the role of this variant in disease. Therefore, it has been classified as a Variant of Uncertain Significance.